The following is an entry in ClinVar:

NM_000465.4(BARD1):c.1517_1518delinsCC (p.His506Pro)

Gene: BARD1 (BRCA1 associated RING domain 1; minus strand). Cytogenetic location: 2q35.
Variant type: Indel.
Coding change: c.1517_1518delinsCC on transcript NM_000465.4 (MANE Select); coding-DNA positions 1517 to 1518, AT replaced by CC.
Protein change: p.His506Pro; replaces histidine 506 with proline.
Molecular consequence: missense variant. On other transcripts: non-coding transcript variant (3), intron variant (3).
Genome position (GRCh38, 1-based): chr2:214,767,532-214,767,533, AT replaced by GG on the plus strand (AT replaced by CC on the coding strand, the reverse complement: BARD1 is on the minus strand). VCF-style: chr2-214767532-AT-GG. GRCh37 (hg19) VCF-style: chr2-215632256-AT-GG.
Other names: c.1460_1461delinsCC, p.His487Pro (NM_001282543.2); c.159-14978_159-14977delinsCC (NM_001282548.2); c.216-14978_216-14977delinsCC (NM_001282545.2); c.364+24764_364+24765delinsCC (NM_001282549.2); short protein forms H487P, H506P.
Identifiers: ClinVar variation 3479744 (VCV003479744.1).

ClinVar aggregate classification (germline): Uncertain significance (1 of 4 stars; one submission).

Conditions:
Hereditary cancer-predisposing syndrome. Also called: Tumor predisposition; Neoplastic Syndromes, Hereditary; Hereditary neoplastic syndrome; Hereditary Cancer Syndrome. Identifiers: Orphanet 140162, MedGen C0027672, MeSH D009386, MONDO:0015356.

Submission:

Ambry Genetics
Classification: Uncertain significance for Hereditary cancer-predisposing syndrome. Last evaluated: 2024-12-10. Review status: criteria provided, single submitter. Criteria: Ambry Variant Classification Scheme 2023. Collection method: clinical testing. Allele origin: germline.
Comment: The c.1517_1518delATinsCC variant (also known as p.H506P), located in coding exon 6 of the BARD1 gene, results from an in-frame deletion of AT and insertion of CC at nucleotide positions 1517 to 1518. This results in the substitution of the histidine residue for a proline residue at codon 506, an amino acid with similar properties. This amino acid position is highly conserved in available vertebrate species. In addition, this alteration is predicted to be deleterious by in silico analysis (Choi Y et al. PLoS ONE. 2012; 7(10):e46688). Based on the available evidence, the clinical significance of this variant remains unclear.